The following is an entry in ClinVar:

ClinVar aggregate classification (germline): Pathogenic (1 of 4 stars; one submission).

Conditions:
Marfan syndrome (MFS). Also called: MARFAN SYNDROME, TYPE I; Marfan syndrome type 1; Marfan's syndrome; Marfan syndrome, classic; FBN1-Related Marfan Syndrome. Identifiers: Orphanet 284963, Orphanet 558, MedGen C0024796, MONDO:0007947, OMIM 154700.
Familial thoracic aortic aneurysm and aortic dissection (TAAD). Also called: Thoracic aortic aneurysms and dissections. Identifiers: Orphanet 91387, MedGen C4707243, MONDO:0019625.

Submission:

Labcorp Genetics (formerly Invitae), Labcorp
Classification: Pathogenic for Marfan syndrome; Familial thoracic aortic aneurysm and aortic dissection. Last evaluated: 2024-07-16. Review status: criteria provided, single submitter. Criteria: Invitae Variant Classification Sherloc (09022015). Collection method: clinical testing. Allele origin: germline.
Comment: This sequence change creates a premature translational stop signal (p.Arg1083Glufs*5) in the FBN1 gene. It is expected to result in an absent or disrupted protein product. Loss-of-function variants in FBN1 are known to be pathogenic (PMID: 17657824, 19293843). This variant is not present in population databases (gnomAD no frequency). This variant has not been reported in the literature in individuals affected with FBN1-related conditions. For these reasons, this variant has been classified as Pathogenic.

Literature cited by the submitters: PubMed 17657824; PubMed 19293843.

NM_000138.5(FBN1):c.3247del (p.Arg1083fs)

Gene: FBN1 (fibrillin 1; minus strand). Cytogenetic location: 15q21.1.
Variant type: Deletion.
Coding change: c.3247del on transcript NM_000138.5 (MANE Select); coding-DNA position 3247, one base deleted (A; older notation c.3247delA).
Protein change: p.Arg1083fs; shifts the reading frame from arginine 1083.
Molecular consequence: frameshift variant.
Genome position (GRCh38, 1-based): chr15:48,488,203, T deleted on the plus strand (A on the coding strand, the reverse complement: FBN1 is on the minus strand). VCF-style (leftmost placement, unchanged base first): chr15-48488202-CT-C. GRCh37 (hg19) VCF-style: chr15-48780399-CT-C.
Other names: c.3247del, p.Arg1083fs (NM_001406716.1); short protein forms R1083fs.
Identifiers: ClinVar variation 3757254 (VCV003757254.2).
Genomic context (GRCh38, chr15:48,488,202, plus strand): 5'-CTTTCATAGCCTTCGTCACACTTGCATTCAAAGTCCCCAGGGGTGTTCACACACTGGCCT[CT>C]GCCACAGAGGTCAGGAGATATGCGGCATTCGTCAATGTCTGCACAAAAACAGCAAGTGGC-3'